The following is an entry in ClinVar:

ClinVar aggregate classification (germline): Uncertain significance (1 of 4 stars; one submission).

Submission:

Labcorp Genetics (formerly Invitae), Labcorp
Classification: Uncertain significance. Last evaluated: 2022-06-27. Review status: criteria provided, single submitter. Criteria: Invitae Variant Classification Sherloc (09022015). Collection method: clinical testing. Allele origin: germline.
Comment: This variant has not been reported in the literature in individuals affected with CLTC-related conditions. In summary, the available evidence is currently insufficient to determine the role of this variant in disease. Therefore, it has been classified as a Variant of Uncertain Significance. Algorithms developed to predict the effect of missense changes on protein structure and function are either unavailable or do not agree on the potential impact of this missense change (SIFT: "Deleterious"; PolyPhen-2: "Not Available"; Align-GVGD: "Class C65"). This variant is not present in population databases (gnomAD no frequency). This sequence change replaces aspartic acid, which is acidic and polar, with valine, which is neutral and non-polar, at codon 1137 of the CLTC protein (p.Asp1137Val).

NM_004859.4(CLTC):c.3398A>T (p.Asp1133Val)

Gene: CLTC (clathrin heavy chain; plus strand). Cytogenetic location: 17q23.1.
Variant type: single nucleotide variant.
Coding change: c.3398A>T on transcript NM_004859.4 (MANE Select); coding-DNA position 3398, A replaced by T.
Protein change: p.Asp1133Val; replaces aspartic acid 1133 with valine.
Molecular consequence: missense variant.
Genome position (GRCh38, 1-based): chr17:59,681,795, A>T. VCF-style: chr17-59681795-A-T. GRCh37 (hg19) VCF-style: chr17-57759156-A-T.
Other names: c.3410A>T, p.Asp1137Val (NM_001288653.2); short protein forms D1133V, D1137V.
Identifiers: ClinVar variation 1516888 (VCV001516888.8), dbSNP rs2143592526, ClinGen allele CA400417711.